The following is an entry in ClinVar:

ClinVar aggregate classification (germline): Pathogenic (1 of 4 stars; one submission).

Conditions:
Hereditary cancer-predisposing syndrome. Also called: Hereditary Cancer Syndrome; Neoplastic Syndromes, Hereditary; Tumor predisposition; Hereditary neoplastic syndrome. Identifiers: Orphanet 140162, MedGen C0027672, MeSH D009386, MONDO:0015356.

Submission:

Ambry Genetics
Classification: Pathogenic for Hereditary cancer-predisposing syndrome. Last evaluated: 2026-07-13. Review status: criteria provided, single submitter. Criteria: Ambry Variant Classification Scheme 2023. Collection method: clinical testing. Allele origin: germline.
Comment: The c.459delG variant, located in coding exon 3 of the CTNNA1 gene, results from a deletion of one nucleotide at nucleotide position 459, causing a translational frameshift with a predicted alternate stop codon (p.Q153Hfs*2). This variant is considered to be rare based on population cohorts in the Genome Aggregation Database (gnomAD). This alteration is expected to result in loss of function by premature protein truncation or nonsense-mediated mRNA decay. As such, this alteration is interpreted as a disease-causing mutation.

NM_001903.5(CTNNA1):c.459del (p.Gln153fs)

Gene: CTNNA1 (catenin alpha 1; plus strand). Cytogenetic location: 5q31.2.
Variant type: Deletion.
Coding change: c.459del on transcript NM_001903.5 (MANE Select); coding-DNA position 459, one base deleted (G; older notation c.459delG).
Protein change: p.Gln153fs; shifts the reading frame from glutamine 153.
Molecular consequence: frameshift variant.
Genome position (GRCh38, 1-based): chr5:138,810,195, G deleted. VCF-style (leftmost placement, unchanged base first): chr5-138810194-AG-A. GRCh37 (hg19) VCF-style: chr5-138145883-AG-A.
Other names: c.459del, p.Gln153fs (NM_001290307.3, NM_001323982.2, NM_001323983.1 and 3 more transcripts); c.150del, p.Gln50fs (NM_001290309.3); c.90del, p.Gln30fs (NM_001290310.3); short protein forms Q50fs, Q153fs, Q30fs.
Identifiers: ClinVar variation 5034998 (VCV005034998.1).